The following is an entry in ClinVar:

ClinVar aggregate classification (germline): Pathogenic (1 of 4 stars; one submission).

Submission:

CeGaT Center for Human Genetics Tuebingen
Classification: Pathogenic. Last evaluated: 2025-03-01. Review status: criteria provided, single submitter. Criteria: CeGaT Center For Human Genetics Tuebingen Variant Classification Criteria Version 2. Collection method: clinical testing. Allele origin: germline. Affected: yes. Observed: 3 variant alleles.
Comment: NEMF: PVS1, PM2

NM_004713.6(NEMF):c.1923_1924del (p.Asn642fs)

Gene: NEMF (nuclear export mediator factor; minus strand). Cytogenetic location: 14q21.3.
Variant type: Deletion.
Coding change: c.1923_1924del on transcript NM_004713.6 (MANE Select); coding-DNA positions 1923 to 1924, 2 bases deleted (GA; older notation c.1923_1924delGA).
Protein change: p.Asn642fs; shifts the reading frame from asparagine 642.
Molecular consequence: frameshift variant.
Genome position (GRCh38, 1-based): chr14:49,802,719-49,802,720, TC deleted on the plus strand (GA on the coding strand, the reverse complement: NEMF is on the minus strand); deleting any 2 consecutive bases within chr14:49,802,719-49,802,721 gives the same sequence; the c. name uses the placement nearest the transcript's 3' end. VCF-style (leftmost placement, unchanged base first): chr14-49802718-TTC-T. GRCh37 (hg19) VCF-style: chr14-50269436-TTC-T.
Other names: c.1860_1861del, p.Asn621fs (NM_001301732.3); short protein forms N621fs, N642fs.
Identifiers: ClinVar variation 3778420 (VCV003778420.7).